The following is an entry in ClinVar:

ClinVar aggregate classification (germline): Uncertain significance. Review status: criteria provided, multiple submitters, no conflicts (2 of 4 stars). 4 submissions from 4 submitters: Uncertain significance (2). 2 of the submissions do not count toward it. Last evaluated 2022-06-01.

Conditions:
ADAMTS2-related disorder. Also called: ADAMTS2-related condition.
Ehlers-Danlos syndrome, dermatosparaxis type. Also called: Dermatosparaxis; EDS VIIC; Ehlers-Danlos syndrome, type VII, autosomal recessive. Identifiers: Orphanet 1901, MedGen C2700425, MONDO:0009161, OMIM 225410.

Allele frequency attached by ClinVar (database versions not stated): gnomAD 0.00002 and 0.00003; TOPMed 0.00005; gnomAD exomes 0.00008.
gnomAD v4.1: 50 of 1,613,458 alleles (0.0031%); highest among the groups gnomAD compares: Admixed American, 0.083%; no homozygotes.

Submissions (4):

Labcorp Genetics (formerly Invitae), Labcorp
Classification: Uncertain significance for Ehlers-Danlos syndrome, dermatosparaxis type. Last evaluated: 2022-06-01. Review status: criteria provided, single submitter. Criteria: Invitae Variant Classification Sherloc (09022015). Collection method: clinical testing. Allele origin: germline.
Comment: This sequence change falls in intron 13 of the ADAMTS2 gene. It does not directly change the encoded amino acid sequence of the ADAMTS2 protein. It affects a nucleotide within the consensus splice site. This variant is present in population databases (rs756427989, gnomAD 0.1%). This variant has not been reported in the literature in individuals affected with ADAMTS2-related conditions. ClinVar contains an entry for this variant (Variation ID: 967882). Variants that disrupt the consensus splice site are a relatively common cause of aberrant splicing (PMID: 17576681, 9536098). Algorithms developed to predict the effect of sequence changes on RNA splicing suggest that this variant is not likely to affect RNA splicing. In summary, the available evidence is currently insufficient to determine the role of this variant in disease. Therefore, it has been classified as a Variant of Uncertain Significance.

Baylor Genetics
Classification: Uncertain significance for Ehlers-Danlos syndrome, dermatosparaxis type. Last evaluated: 2018-09-25. Review status: criteria provided, single submitter. Criteria: ACMG Guidelines, 2015. Collection method: clinical testing. Allele origin: maternal. Affected: yes.
Comment: This variant was determined to be of uncertain significance according to ACMG Guidelines, 2015 [PMID:25741868].

Natera, Inc.
Classification: Uncertain significance for Ehlers-Danlos syndrome type VIIC. Last evaluated: 2020-03-11. Review status: no assertion criteria provided. Collection method: clinical testing. Allele origin: germline. Not counted in ClinVar's aggregate classification.

PreventionGenetics, part of Exact Sciences
Classification: Likely benign for ADAMTS2-related condition. Last evaluated: 2019-09-11. Review status: no assertion criteria provided. Collection method: clinical testing. Allele origin: germline. Not counted in ClinVar's aggregate classification.
Comment: This variant is classified as likely benign based on ACMG/AMP sequence variant interpretation guidelines (Richards et al. 2015 PMID: 25741868, with internal and published modifications).

Literature cited by the submitters: PubMed 17576681 (cited by Labcorp Genetics (formerly Invitae), Labcorp); PubMed 9536098 (cited by Labcorp Genetics (formerly Invitae), Labcorp).

NM_014244.5(ADAMTS2):c.2086-3C>T

Gene: ADAMTS2 (ADAM metallopeptidase with thrombospondin type 1 motif 2; minus strand). Cytogenetic location: 5q35.3.
Variant type: single nucleotide variant.
Coding change: c.2086-3C>T on transcript NM_014244.5 (MANE Select); 3 bases into the intron before coding-DNA position 2086, C replaced by T.
Molecular consequence: intron variant.
Genome position (GRCh38, 1-based): chr5:179,132,903, G>A on the plus strand (C>T on the coding strand, the complement: ADAMTS2 is on the minus strand). VCF-style: chr5-179132903-G-A. GRCh37 (hg19) VCF-style: chr5-178559904-G-A.
Identifiers: ClinVar variation 967882 (VCV000967882.10), dbSNP rs756427989, ClinGen allele CA3595661.